The following is an entry in ClinVar:

ClinVar aggregate classification (germline): Uncertain significance (1 of 4 stars; one submission).

Submission:

GeneDx
Classification: Uncertain significance. Last evaluated: 2019-12-02. Review status: criteria provided, single submitter. Criteria: GeneDx Variant Classification Process June 2021. Collection method: clinical testing. Allele origin: germline. Affected: yes.
Comment: Not observed in large population cohorts (Lek et al., 2016); In silico analysis, which includes protein predictors and evolutionary conservation, supports a deleterious effect; Has not been previously published as pathogenic or benign to our knowledge

NM_171998.4(RAB39B):c.548A>C (p.Gln183Pro)

Gene: RAB39B (RAB39B, member RAS oncogene family; minus strand). Cytogenetic location: Xq28.
Variant type: single nucleotide variant.
Coding change: c.548A>C on transcript NM_171998.4 (MANE Select); coding-DNA position 548, A replaced by C.
Protein change: p.Gln183Pro; replaces glutamine 183 with proline.
Molecular consequence: missense variant.
Genome position (GRCh38, 1-based): chrX:155,260,897, T>G on the plus strand (A>C on the coding strand, the complement: RAB39B is on the minus strand). VCF-style: chrX-155260897-T-G. GRCh37 (hg19) VCF-style: chrX-154490182-T-G.
Other names: short protein forms Q183P.
Identifiers: ClinVar variation 1310283 (VCV001310283.2), dbSNP rs1557314192, ClinGen allele CA414923782.